The following is an entry in ClinVar:

ClinVar aggregate classification (germline): Uncertain significance. Review status: criteria provided, multiple submitters, no conflicts (2 of 4 stars). 4 submissions from 4 submitters: Uncertain significance (4). Last evaluated 2024-11-20.

Conditions:
Alstrom syndrome (ALMS). Identifiers: Orphanet 64, MedGen C0268425, MONDO:0008763, OMIM 203800.
Cardiovascular phenotype. Identifiers: MedGen CN230736.

Allele frequency attached by ClinVar (database versions not stated): gnomAD 0.00001; gnomAD exomes 0.00001 and 0.00006; ExAC 0.00004.
gnomAD v4.1: 23 of 1,611,278 alleles (0.0014%); highest among the groups gnomAD compares: Admixed American, 0.032%; no homozygotes.

Submissions (4):

GeneDx
Classification: Uncertain significance. Last evaluated: 2024-11-20. Review status: criteria provided, single submitter. Criteria: GeneDx Variant Classification Process June 2021. Collection method: clinical testing. Allele origin: germline. Affected: yes.
Comment: In silico analysis indicates that this missense variant does not alter protein structure/function; In silico analysis is inconclusive as to whether the variant alters gene splicing. In the absence of RNA/functional studies, the actual effect of this sequence change is unknown.; Has not been previously published as pathogenic or benign to our knowledge

Labcorp Genetics (formerly Invitae), Labcorp
Classification: Uncertain significance for Alstrom syndrome. Last evaluated: 2022-09-17. Review status: criteria provided, single submitter. Criteria: Invitae Variant Classification Sherloc (09022015). Collection method: clinical testing. Allele origin: germline.
Comment: This sequence change replaces arginine, which is basic and polar, with tryptophan, which is neutral and slightly polar, at codon 145 of the ALMS1 protein (p.Arg145Trp). This variant is present in population databases (rs748293128, gnomAD 0.04%). This variant has not been reported in the literature in individuals affected with ALMS1-related conditions. ClinVar contains an entry for this variant (Variation ID: 1204730). Experimental studies and prediction algorithms are not available or were not evaluated, and the functional significance of this variant is currently unknown. Algorithms developed to predict the effect of sequence changes on RNA splicing suggest that this variant may disrupt the consensus splice site. In summary, the available evidence is currently insufficient to determine the role of this variant in disease. Therefore, it has been classified as a Variant of Uncertain Significance.

Fulgent Genetics
Classification: Uncertain significance for Alstrom syndrome. Last evaluated: 2022-02-02. Review status: criteria provided, single submitter. Criteria: ACMG Guidelines, 2015. Collection method: clinical testing. Allele origin: unknown.

Ambry Genetics
Classification: Uncertain significance for Cardiovascular phenotype. Last evaluated: 2020-11-12. Review status: criteria provided, single submitter. Criteria: Ambry Variant Classification Scheme 2023. Collection method: clinical testing. Allele origin: germline.
Comment: The p.R145W variant (also known as c.433C>T), located in coding exon 2 of the ALMS1 gene, results from a C to T substitution at nucleotide position 433. The arginine at codon 145 is replaced by tryptophan, an amino acid with dissimilar properties. This amino acid position is poorly conserved in available vertebrate species, and tryptophan is the reference amino acid in other vertebrate species. In addition, this alteration is predicted to be tolerated by in silico analysis. Since supporting evidence is limited at this time, the clinical significance of this alteration remains unclear.

NM_001378454.1(ALMS1):c.430C>T (p.Arg144Trp)

Gene: ALMS1 (ALMS1 centrosome and basal body associated protein; plus strand). Cytogenetic location: 2p13.1.
Variant type: single nucleotide variant.
Coding change: c.430C>T on transcript NM_001378454.1 (MANE Select); coding-DNA position 430, C replaced by T.
Protein change: p.Arg144Trp; replaces arginine 144 with tryptophan.
Molecular consequence: missense variant.
Genome position (GRCh38, 1-based): chr2:73,408,727, C>T. VCF-style: chr2-73408727-C-T. GRCh37 (hg19) VCF-style: chr2-73635855-C-T.
Other names: c.433C>T, p.Arg145Trp (NM_015120.4); short protein forms R144W, R145W.
Identifiers: ClinVar variation 1204730 (VCV001204730.11), dbSNP rs748293128, ClinGen allele CA1712830.